The following is an entry in ClinVar:

ClinVar aggregate classification (germline): Pathogenic (1 of 4 stars; one submission).

Conditions:
Saldino-Mainzer syndrome (SRTD9). Also called: CONORENAL SYNDROME; SHORT-RIB THORACIC DYSPLASIA 9 WITHOUT POLYDACTYLY; short-rib thoracic dysplasia 9 with or without polydactyly; Renal dysplasia, retinal pigmentary dystrophy, cerebellar ataxia and skeletal dysplasia. Identifiers: Orphanet 140969, MedGen C1849437, MONDO:0009964, OMIM 266920.

Submission:

Labcorp Genetics (formerly Invitae), Labcorp
Classification: Pathogenic for Saldino-Mainzer syndrome. Last evaluated: 2025-04-16. Review status: criteria provided, single submitter. Criteria: Invitae Variant Classification Sherloc (09022015). Collection method: clinical testing. Allele origin: germline.
Comment: This sequence change creates a premature translational stop signal (p.Asp982Glyfs*22) in the IFT140 gene. It is expected to result in an absent or disrupted protein product. Loss-of-function variants in IFT140 are known to be pathogenic (PMID: 22503633, 23418020, 24009529, 26216056). Information on the frequency of this variant in the gnomAD database is not available, as this variant may be reported differently in the database. This variant has not been reported in the literature in individuals affected with IFT140-related conditions. For these reasons, this variant has been classified as Pathogenic.

Literature cited by the submitters: PubMed 22503633; PubMed 23418020; PubMed 24009529; PubMed 26216056.

NM_014714.4(IFT140):c.2944_2948delinsGGGG (p.Arg982fs)

Genes: IFT140 (intraflagellar transport 140; minus strand), LOC126862260 (CDK7 strongly-dependent group 2 enhancer GRCh37_chr16:1574508-1575707; plus strand). Cytogenetic location: 16p13.3.
Variant type: Indel.
Coding change: c.2944_2948delinsGGGG on transcript NM_014714.4 (MANE Select); coding-DNA positions 2944 to 2948, CGGGA replaced by GGGG.
Protein change: p.Arg982fs; shifts the reading frame from arginine 982.
Molecular consequence: frameshift variant.
Genome position (GRCh38, 1-based): chr16:1,524,833-1,524,837, TCCCG replaced by CCCC on the plus strand (CGGGA replaced by GGGG on the coding strand, the reverse complement: IFT140 is on the minus strand). VCF-style: chr16-1524833-TCCCG-CCCC. GRCh37 (hg19) VCF-style: chr16-1574834-TCCCG-CCCC.
Other names: short protein forms R982fs.
Identifiers: ClinVar variation 970601 (VCV000970601.6), dbSNP rs2040631802, ClinGen allele CA1139664290.